The following is an entry in ClinVar:

ClinVar aggregate classification (germline): Likely benign (0 of 4 stars; one submission).

Conditions:
EPPK1-related disorder. Also called: EPPK1-related condition.

Allele frequency attached by ClinVar (database versions not stated): TOPMed 0.00001; gnomAD 0.00004; ExAC 0.00017; 1000 Genomes Project 30x 0.00031; 1000 Genomes Project 0.00040.
gnomAD v4.1: 84 of 1,585,472 alleles (0.0053%); highest among the groups gnomAD compares: South Asian, 0.072%; 1 homozygote.

Submission:

PreventionGenetics, part of Exact Sciences
Classification: Likely benign for EPPK1-related condition. Last evaluated: 2022-11-15. Review status: no assertion criteria provided. Collection method: clinical testing. Allele origin: germline.
Comment: This variant is classified as likely benign based on ACMG/AMP sequence variant interpretation guidelines (Richards et al. 2015 PMID: 25741868, with internal and published modifications).

NM_031308.4(EPPK1):c.4590C>G (p.Ala1530=)

Gene: EPPK1 (epiplakin 1; minus strand). Cytogenetic location: 8q24.3.
Variant type: single nucleotide variant.
Coding change: c.4590C>G on transcript NM_031308.4 (MANE Select); coding-DNA position 4590, C replaced by G.
Protein change: p.Ala1530=; no amino-acid change (alanine 1530 retained).
Molecular consequence: synonymous variant.
Genome position (GRCh38, 1-based): chr8:143,868,664, G>C on the plus strand (C>G on the coding strand, the complement: EPPK1 is on the minus strand). VCF-style: chr8-143868664-G-C. GRCh37 (hg19) VCF-style: chr8-144942832-G-C.
Identifiers: ClinVar variation 3058832 (VCV003058832.2), dbSNP rs573015971, ClinGen allele CA4922446.